The following is an entry in ClinVar:

ClinVar aggregate classification (germline): Likely benign. Review status: criteria provided, multiple submitters, no conflicts (2 of 4 stars). 3 submissions from 3 submitters: Likely benign (2). 1 of the submissions does not count toward it. Last evaluated 2024-10-16.

Conditions:
SACS-related disorder. Also called: SACS-related condition.
Spastic paraplegia. Identifiers: MedGen C0037772, HP:0001258.

Allele frequency attached by ClinVar (database versions not stated): gnomAD 0.00001.
gnomAD v4.1: 24 of 1,612,694 alleles (0.0015%); highest among the groups gnomAD compares: Middle Eastern, 0.36%; no homozygotes.

Submissions (3):

Blueprint Genetics
Classification: Likely benign. Last evaluated: 2024-10-16. Review status: criteria provided, single submitter. Criteria: ACMG Guidelines, 2015. Collection method: clinical testing. Allele origin: germline.

Labcorp Genetics (formerly Invitae), Labcorp
Classification: Likely benign for Spastic paraplegia. Last evaluated: 2024-05-02. Review status: criteria provided, single submitter. Criteria: Invitae Variant Classification Sherloc (09022015). Collection method: clinical testing. Allele origin: germline.

PreventionGenetics, part of Exact Sciences
Classification: Likely benign for SACS-related condition. Last evaluated: 2019-07-12. Review status: no assertion criteria provided. Collection method: clinical testing. Allele origin: germline. Not counted in ClinVar's aggregate classification.
Comment: This variant is classified as likely benign based on ACMG/AMP sequence variant interpretation guidelines (Richards et al. 2015 PMID: 25741868, with internal and published modifications).

NM_014363.6(SACS):c.9405A>G (p.Leu3135=)

Gene: SACS (sacsin molecular chaperone; minus strand). Cytogenetic location: 13q12.12.
Variant type: single nucleotide variant.
Coding change: c.9405A>G on transcript NM_014363.6 (MANE Select); coding-DNA position 9405, A replaced by G.
Protein change: p.Leu3135=; no amino-acid change (leucine 3135 retained).
Molecular consequence: synonymous variant.
Genome position (GRCh38, 1-based): chr13:23,334,471, T>C on the plus strand (A>G on the coding strand, the complement: SACS is on the minus strand). VCF-style: chr13-23334471-T-C. GRCh37 (hg19) VCF-style: chr13-23908610-T-C.
Other names: c.8964A>G, p.Leu2988= (NM_001278055.2); c.9405A>G (NM_014363.5).
Identifiers: ClinVar variation 1090046 (VCV001090046.12), dbSNP rs866488144, ClinGen allele CA246653333.
Genomic context (GRCh38, chr13:23,334,471, plus strand): 5'-AAGGGGCAATCCCTCAACTTCAATCTCATTTTCTTCTGCATCTTTAAAACAATAATCAAC[T>C]AAAAGTTTTAAACTATGAAAAAGTTTTAGATTAGTCTGCTGCAGACGACAAGGCAGCTTC-3'
Protein context (NP_055178.3, residues 3125-3145): NLKLFHSLKL[Leu3135=]VDYCFKDAEE